The following is an entry in ClinVar:

ClinVar aggregate classification (germline): Uncertain significance (1 of 4 stars; one submission).

Submission:

Labcorp Genetics (formerly Invitae), Labcorp
Classification: Uncertain significance. Last evaluated: 2022-11-22. Review status: criteria provided, single submitter. Criteria: Invitae Variant Classification Sherloc (09022015). Collection method: clinical testing. Allele origin: germline.
Comment: This variant is not present in population databases (gnomAD no frequency). This sequence change replaces serine, which is neutral and polar, with cysteine, which is neutral and slightly polar, at codon 683 of the CARMIL2 protein (p.Ser683Cys). This variant has not been reported in the literature in individuals affected with CARMIL2-related conditions. In summary, the available evidence is currently insufficient to determine the role of this variant in disease. Therefore, it has been classified as a Variant of Uncertain Significance. Advanced modeling of protein sequence and biophysical properties (such as structural, functional, and spatial information, amino acid conservation, physicochemical variation, residue mobility, and thermodynamic stability) has been performed at Invitae for this missense variant, however the output from this modeling did not meet the statistical confidence thresholds required to predict the impact of this variant on CARMIL2 protein function.

NM_001013838.3(CARMIL2):c.2047A>T (p.Ser683Cys)

Gene: CARMIL2 (capping protein regulator and myosin 1 linker 2; plus strand). Cytogenetic location: 16q22.1.
Variant type: single nucleotide variant.
Coding change: c.2047A>T on transcript NM_001013838.3 (MANE Select); coding-DNA position 2047, A replaced by T.
Protein change: p.Ser683Cys; replaces serine 683 with cysteine.
Molecular consequence: missense variant.
Genome position (GRCh38, 1-based): chr16:67,649,933, A>T. VCF-style: chr16-67649933-A-T. GRCh37 (hg19) VCF-style: chr16-67683836-A-T.
Other names: c.1939A>T, p.Ser647Cys (NM_001317026.3); short protein forms S647C, S683C.
Identifiers: ClinVar variation 2114025 (VCV002114025.4), dbSNP rs2543555899, ClinGen allele CA396339780.
Genomic context (GRCh38, chr16:67,649,933, plus strand): 5'-CAGAACCACAGCCTGAAGGCCATGCCTCTGCCACTGAACGACGTGGCCCAGGCGCAGCGC[A>T]GCCGCCCGGAACTGACAGCACGTGCAGTCCATCAGGTGGGCGTCCCCCTCTTCCCTTGCC-3'
Protein context (NP_001013860.1, residues 673-693): PLNDVAQAQR[Ser683Cys]RPELTARAVH